The following is an entry in ClinVar:

NM_182641.4(BPTF):c.1551C>G (p.Cys517Trp)

Gene: BPTF (bromodomain PHD finger transcription factor; plus strand). Cytogenetic location: 17q24.2.
Variant type: single nucleotide variant.
Coding change: c.1551C>G on transcript NM_182641.4 (MANE Select); coding-DNA position 1551, C replaced by G.
Protein change: p.Cys517Trp; replaces cysteine 517 with tryptophan.
Molecular consequence: missense variant.
Genome position (GRCh38, 1-based): chr17:67,866,578, C>G. VCF-style: chr17-67866578-C-G. GRCh37 (hg19) VCF-style: chr17-65862694-C-G.
Other names: c.1551C>G, p.Cys517Trp (NM_001439139.1, NM_001439140.1, NM_001439141.1 and 4 more transcripts); short protein forms C517W.
Identifiers: ClinVar variation 4886032 (VCV004886032.2).

ClinVar aggregate classification (germline): Uncertain significance (1 of 4 stars; one submission).

Submission:

Dasa
Classification: Uncertain significance. Last evaluated: 2025-02-07. Review status: criteria provided, single submitter. Criteria: DASA Assertion Criteria. Collection method: clinical testing. Allele origin: germline.
Comment: NM_182641.4(BPTF):c.1551C>G (p.Cys517Trp) is a missense variant that results in the substitution of cysteine with tryptophan. This variant is absent from population databases. The currently available literature and clinical evidence are not sufficient to establish a definitive association between this variant and the reported condition. Therefore, this variant is classified as a variant of uncertain significance.